The following is an entry in ClinVar:

NM_000834.5(GRIN2B):c.1108G>C (p.Glu370Gln)

Gene: GRIN2B (glutamate ionotropic receptor NMDA type subunit 2B; minus strand). Cytogenetic location: 12p13.1.
Variant type: single nucleotide variant.
Coding change: c.1108G>C on transcript NM_000834.5 (MANE Select); coding-DNA position 1108, G replaced by C.
Protein change: p.Glu370Gln; replaces glutamic acid 370 with glutamine.
Molecular consequence: missense variant.
Genome position (GRCh38, 1-based): chr12:13,675,762, C>G on the plus strand (G>C on the coding strand, the complement: GRIN2B is on the minus strand). VCF-style: chr12-13675762-C-G. GRCh37 (hg19) VCF-style: chr12-13828696-C-G.
Other names: c.1108G>C, p.Glu370Gln (NM_001413992.1); short protein forms E370Q.
Identifiers: ClinVar variation 4789476 (VCV004789476.1).

ClinVar aggregate classification (germline): Uncertain significance (1 of 4 stars; one submission).

Conditions:
Developmental and epileptic encephalopathy, 27 (DEE27). Also called: Epileptic encephalopathy, early infantile, 27; GRIN2B-Related Neurodevelopmental Disorder. Identifiers: Orphanet 3451, MedGen C4015316, MONDO:0014505, OMIM 616139.
Intellectual developmental disorder, autosomal dominant 6, with or without seizures. Also called: Intellectual disability, autosomal dominant 6; GRIN2B-related developmental delay, intellectual disability and autism spectrum disorder. Identifiers: Orphanet 589547, MedGen C3151411, MONDO:0013509, OMIM 613970.

Submission:

Labcorp Genetics (formerly Invitae), Labcorp
Classification: Uncertain significance for Developmental and epileptic encephalopathy, 27; Intellectual developmental disorder, autosomal dominant 6, with or without seizures. Last evaluated: 2025-11-24. Review status: criteria provided, single submitter. Criteria: Invitae Variant Classification Sherloc (09022015). Collection method: clinical testing. Allele origin: germline.
Comment: This sequence change replaces glutamic acid, which is acidic and polar, with glutamine, which is neutral and polar, at codon 370 of the GRIN2B protein (p.Glu370Gln). This variant is not present in population databases (gnomAD no frequency). This variant has not been reported in the literature in individuals affected with GRIN2B-related conditions. Invitae Evidence Modeling of protein sequence and biophysical properties (such as structural, functional, and spatial information, amino acid conservation, physicochemical variation, residue mobility, and thermodynamic stability) indicates that this missense variant is not expected to disrupt GRIN2B protein function with a negative predictive value of 95%. In summary, the available evidence is currently insufficient to determine the role of this variant in disease. Therefore, it has been classified as a Variant of Uncertain Significance.